The following is an entry in ClinVar:

ClinVar aggregate classification (germline): Likely benign (0 of 4 stars; one submission).

Conditions:
WEE2-related disorder. Also called: WEE2-related condition.

Allele frequency attached by ClinVar (database versions not stated): ESP Exome Variant Server 0.00008; TOPMed 0.00010; gnomAD 0.00009; ExAC 0.00011.
gnomAD v4.1: 127 of 1,613,998 alleles (0.0079%); highest among the groups gnomAD compares: South Asian, 0.018%; no homozygotes.

Submission:

PreventionGenetics, part of Exact Sciences
Classification: Likely benign for WEE2-related condition. Last evaluated: 2019-04-26. Review status: no assertion criteria provided. Collection method: clinical testing. Allele origin: germline.
Comment: This variant is classified as likely benign based on ACMG/AMP sequence variant interpretation guidelines (Richards et al. 2015 PMID: 25741868, with internal and published modifications).

NM_001105558.1(WEE2):c.186C>T (p.Asn62=)

Genes: WEE2 (WEE2 oocyte meiosis inhibiting kinase; plus strand), WEE2-AS1 (WEE2 antisense RNA 1; minus strand). Cytogenetic location: 7q34.
Variant type: single nucleotide variant.
Coding change: c.186C>T on transcript NM_001105558.1 (MANE Select); coding-DNA position 186, C replaced by T.
Protein change: p.Asn62=; no amino-acid change (asparagine 62 retained).
Molecular consequence: synonymous variant.
Genome position (GRCh38, 1-based): chr7:141,708,944, C>T. VCF-style: chr7-141708944-C-T. GRCh37 (hg19) VCF-style: chr7-141408744-C-T.
Identifiers: ClinVar variation 3049731 (VCV003049731.2), dbSNP rs373578717, ClinGen allele CA4518152.